The following is an entry in ClinVar:

NM_015374.3(SUN2):c.2151C>A (p.His717Gln)

Genes: GTPBP1 (GTP binding protein 1; plus strand), SUN2 (Sad1 and UNC84 domain containing 2; minus strand). Cytogenetic location: 22q13.1.
Variant type: single nucleotide variant.
Coding change: c.2151C>A on transcript NM_015374.3 (MANE Select); coding-DNA position 2151, C replaced by A.
Protein change: p.His717Gln; replaces histidine 717 with glutamine.
Molecular consequence: missense variant.
Genome position (GRCh38, 1-based): chr22:38,736,270, G>T on the plus strand (C>A on the coding strand, the complement: SUN2 is on the minus strand). VCF-style: chr22-38736270-G-T. GRCh37 (hg19) VCF-style: chr22-39132275-G-T.
Other names: c.2214C>A, p.His738Gln (NM_001199579.2, NM_001394428.1); c.2151C>A, p.His717Gln (NM_001199580.2, NM_001394432.1, NM_001394433.1 and 2 more transcripts); c.2244C>A, p.His748Gln (NM_001394427.1); c.2196C>A, p.His732Gln (NM_001394429.1, NM_001394430.1); c.2148C>A, p.His716Gln (NM_001394436.1, NM_001394437.1); c.2061C>A, p.His687Gln (NM_001394438.1); c.2013C>A, p.His671Gln (NM_001394439.1, NM_001394440.1, NM_001394441.1); c.1752C>A, p.His584Gln (NM_001394442.1); and 2 more; short protein forms H687Q, H671Q, H716Q, H732Q, H525Q, H553Q, H584Q, H717Q.
Identifiers: ClinVar variation 1500924 (VCV001500924.8), dbSNP rs917841252, ClinGen allele CA324295284.

ClinVar aggregate classification (germline): Uncertain significance (1 of 4 stars; one submission).

Conditions:
Emery-Dreifuss muscular dystrophy (EDMD). Also called: Scapuloperoneal syndrome, X-linked (formerly); Humeroperoneal neuromuscular disease, (formerly). Identifiers: Orphanet 261, MedGen C0410189, MONDO:0016830.

Allele frequency attached by ClinVar (database versions not stated): TOPMed below 0.00001.
gnomAD v4.1: 4 of 1,612,430 alleles (0.00025%); highest among the groups gnomAD compares: Admixed American, 0.0017%; no homozygotes.

Submission:

Labcorp Genetics (formerly Invitae), Labcorp
Classification: Uncertain significance for Emery-Dreifuss muscular dystrophy. Last evaluated: 2021-02-03. Review status: criteria provided, single submitter. Criteria: Invitae Variant Classification Sherloc (09022015). Collection method: clinical testing. Allele origin: germline.
Comment: In summary, the available evidence is currently insufficient to determine the role of this variant in disease. Therefore, it has been classified as a Variant of Uncertain Significance. Algorithms developed to predict the effect of missense changes on protein structure and function (SIFT, PolyPhen-2, Align-GVGD) all suggest that this variant is likely to be tolerated, but these predictions have not been confirmed by published functional studies and their clinical significance is uncertain. This variant has not been reported in the literature in individuals with SUN2-related conditions. This variant is not present in population databases (ExAC no frequency). This sequence change replaces histidine with glutamine at codon 717 of the SUN2 protein (p.His717Gln). The histidine residue is weakly conserved and there is a small physicochemical difference between histidine and glutamine.